The following is an entry in ClinVar:

ClinVar aggregate classification (germline): Uncertain significance (1 of 4 stars; one submission).

Allele frequency attached by ClinVar (database versions not stated): gnomAD exomes below 0.00001 and 0.00001; ExAC 0.00001; gnomAD 0.00001.
gnomAD v4.1: 14 of 1,613,990 alleles (0.00087%); highest among the groups gnomAD compares: Non-Finnish European, 0.0012%; no homozygotes.

Submission:

Labcorp Genetics (formerly Invitae), Labcorp
Classification: Uncertain significance. Last evaluated: 2024-02-10. Review status: criteria provided, single submitter. Criteria: Invitae Variant Classification Sherloc (09022015). Collection method: clinical testing. Allele origin: germline.
Comment: This sequence change replaces threonine, which is neutral and polar, with isoleucine, which is neutral and non-polar, at codon 833 of the VCAN protein (p.Thr833Ile). This variant is present in population databases (rs777049203, gnomAD 0.003%). This variant has not been reported in the literature in individuals affected with VCAN-related conditions. ClinVar contains an entry for this variant (Variation ID: 1465550). An algorithm developed to predict the effect of missense changes on protein structure and function (PolyPhen-2) suggests that this variant is likely to be disruptive. In summary, the available evidence is currently insufficient to determine the role of this variant in disease. Therefore, it has been classified as a Variant of Uncertain Significance.

NM_004385.5(VCAN):c.2498C>T (p.Thr833Ile)

Gene: VCAN (versican; plus strand). Cytogenetic location: 5q14.3.
Variant type: single nucleotide variant.
Coding change: c.2498C>T on transcript NM_004385.5 (MANE Select); coding-DNA position 2498, C replaced by T.
Protein change: p.Thr833Ile; replaces threonine 833 with isoleucine.
Molecular consequence: missense variant. On other transcripts: intron variant (2).
Genome position (GRCh38, 1-based): chr5:83,520,804, C>T. VCF-style: chr5-83520804-C-T. GRCh37 (hg19) VCF-style: chr5-82816623-C-T.
Other names: c.2498C>T, p.Thr833Ile (NM_001164098.2); c.1042+8408C>T (NM_001164097.2, NM_001126336.3); short protein forms T833I.
Identifiers: ClinVar variation 1465550 (VCV001465550.8), dbSNP rs777049203, ClinGen allele CA3332853.